The following is an entry in ClinVar:

NM_000494.4(COL17A1):c.3174dup (p.Glu1059fs)

Gene: COL17A1 (collagen type XVII alpha 1 chain; minus strand). Cytogenetic location: 10q25.1.
Variant type: Duplication.
Coding change: c.3174dup on transcript NM_000494.4 (MANE Select); coding-DNA position 3174, one base duplicated (A; older notation c.3174dupA).
Protein change: p.Glu1059fs; shifts the reading frame from glutamic acid 1059.
Molecular consequence: frameshift variant.
Genome position (GRCh38, 1-based): chr10:104,037,670, T duplicated on the plus strand (A on the coding strand, the reverse complement: COL17A1 is on the minus strand). VCF-style (leftmost placement, unchanged base first): chr10-104037669-C-CT. GRCh37 (hg19) VCF-style: chr10-105797427-C-CT.
Other names: short protein forms E1059fs.
Identifiers: ClinVar variation 2799346 (VCV002799346.3), dbSNP rs2493290370, ClinGen allele CA2739276025.
Genomic context (GRCh38, chr10:104,037,669, plus strand): 5'-AGGTGCAGGGCGTGGGGAAGGGCTTACTCCGTAAGTAGCTCACAACGTGGCTTGCCAGCT[C>CT]TGAGTAGTCGAAAGTCTCGCCTGTGATGGTGGTGACAGGTCCTGGGGGACCAGGTGGGCC-3'

ClinVar aggregate classification (germline): Pathogenic (1 of 4 stars; one submission).

Submission:

Labcorp Genetics (formerly Invitae), Labcorp
Classification: Pathogenic. Last evaluated: 2023-03-08. Review status: criteria provided, single submitter. Criteria: Invitae Variant Classification Sherloc (09022015). Collection method: clinical testing. Allele origin: germline.
Comment: For these reasons, this variant has been classified as Pathogenic. This variant has not been reported in the literature in individuals affected with COL17A1-related conditions. This variant is not present in population databases (gnomAD no frequency). This sequence change creates a premature translational stop signal (p.Glu1059Argfs*27) in the COL17A1 gene. It is expected to result in an absent or disrupted protein product. Loss-of-function variants in COL17A1 are known to be pathogenic (PMID: 16473856, 17344927, 20301304, 21357940, 24319098).

Literature cited by the submitters: PubMed 16473856; PubMed 17344927; PubMed 20301304; PubMed 21357940; PubMed 24319098.